The following is an entry in ClinVar:

ClinVar aggregate classification (germline): Uncertain significance. Review status: criteria provided, multiple submitters, no conflicts (2 of 4 stars). 2 submissions from 2 submitters: Uncertain significance (2). Last evaluated 2020-10-26.

Conditions:
Emery-Dreifuss muscular dystrophy 4, autosomal dominant (EDMD4). Also called: EMERY-DREIFUSS MUSCULAR DYSTROPHY 4 WITH VARIABLE FEATURES. Identifiers: Orphanet 261, MedGen C2751807, MONDO:0013071, OMIM 612998.
Autosomal recessive ataxia, Beauce type. Also called: Spinocerebellar ataxia, autosomal recessive 8; ATAXIA, RECESSIVE, OF BEAUCE; SYNE1-Related Autosomal Recessive Cerebellar Ataxia; SYNE1 Deficiency. Identifiers: Orphanet 88644, MedGen C1853116, MONDO:0012549, OMIM 610743.

Allele frequency attached by ClinVar (database versions not stated): gnomAD below 0.00001 and 0.00001; gnomAD exomes 0.00001; ExAC 0.00002.
gnomAD v4.1: 6 of 1,614,114 alleles (0.00037%); highest among the groups gnomAD compares: South Asian, 0.0055%; no homozygotes.

Submissions (2):

Athena Diagnostics
Classification: Uncertain significance. Last evaluated: 2020-10-26. Review status: criteria provided, single submitter. Criteria: Athena Diagnostics criteria. Collection method: clinical testing. Allele origin: unknown.

Labcorp Genetics (formerly Invitae), Labcorp
Classification: Uncertain significance for Emery-Dreifuss muscular dystrophy 4, autosomal dominant; Spinocerebellar ataxia, autosomal recessive 8. Last evaluated: 2019-05-21. Review status: criteria provided, single submitter. Criteria: Invitae Variant Classification Sherloc (09022015). Collection method: clinical testing. Allele origin: germline.
Comment: This sequence change replaces proline with leucine at codon 5216 of the SYNE1 protein (p.Pro5216Leu). The proline residue is moderately conserved and there is a moderate physicochemical difference between proline and leucine. This variant is present in population databases (rs758942889, ExAC 0.01%). This variant has not been reported in the literature in individuals with SYNE1-related conditions. Algorithms developed to predict the effect of missense changes on protein structure and function are either unavailable or do not agree on the potential impact of this missense change (SIFT: "Deleterious"; PolyPhen-2: "Benign"; Align-GVGD: "Class C0"). In summary, the available evidence is currently insufficient to determine the role of this variant in disease. Therefore, it has been classified as a Variant of Uncertain Significance.

NM_182961.4(SYNE1):c.15860C>T (p.Pro5287Leu)

Gene: SYNE1 (spectrin repeat containing nuclear envelope protein 1; minus strand). Cytogenetic location: 6q25.2.
Variant type: single nucleotide variant.
Coding change: c.15860C>T on transcript NM_182961.4 (MANE Select); coding-DNA position 15860, C replaced by T.
Protein change: p.Pro5287Leu; replaces proline 5287 with leucine.
Molecular consequence: missense variant.
Genome position (GRCh38, 1-based): chr6:152,323,535, G>A on the plus strand (C>T on the coding strand, the complement: SYNE1 is on the minus strand). VCF-style: chr6-152323535-G-A. GRCh37 (hg19) VCF-style: chr6-152644670-G-A.
Other names: c.15647C>T, p.Pro5216Leu (NM_033071.5); short protein forms P5216L, P5287L.
Identifiers: ClinVar variation 933625 (VCV000933625.4), dbSNP rs758942889, ClinGen allele CA4055682.
Genomic context (GRCh38, chr6:152,323,535, plus strand): 5'-TACTTCAGGCACCGATCTTGCATGGCGGTGATTTCCTGCATGAGCGGAGGCTCTTCCCCA[G>A]GGGTTGGGGCGGCTCCATCCTGGAGCATGCTCAGGGTTTGCTGCCGCAGCATGCCCAAGG-3'
Protein context (NP_892006.3, residues 5277-5297): SMLQDGAAPT[Pro5287Leu]GEEPPLMQEI